The following is an entry in ClinVar:

NM_001042492.3(NF1):c.3504_3514del (p.Tyr1169fs)

Gene: NF1 (neurofibromin 1; plus strand). Cytogenetic location: 17q11.2.
Variant type: Deletion.
Coding change: c.3504_3514del on transcript NM_001042492.3 (MANE Select); coding-DNA positions 3504 to 3514, 11 bases deleted (TTACCACAAGG).
Protein change: p.Tyr1169fs; shifts the reading frame from tyrosine 1169.
Molecular consequence: frameshift variant.
Genome position (GRCh38, 1-based): chr17:31,233,009-31,233,019, TTACCACAAGG deleted; deleting any 11 consecutive bases within chr17:31,233,006-31,233,019 gives the same sequence; the c. name uses the placement nearest the transcript's 3' end. VCF-style (leftmost placement, unchanged base first): chr17-31233005-TAGGTTACCACA-T. GRCh37 (hg19) VCF-style: chr17-29560023-TAGGTTACCACA-T.
Other names: c.3504_3514del, p.Tyr1169fs (NM_000267.4); short protein forms Y1169fs.
Identifiers: ClinVar variation 4718176 (VCV004718176.1).

ClinVar aggregate classification (germline): Pathogenic (1 of 4 stars; one submission).

Conditions:
Neurofibromatosis, type 1 (NF1). Also called: NEUROFIBROMATOSIS, TYPE I, SOMATIC; VON RECKLINGHAUSEN DISEASE; Peripheral type neurofibromatosis; Neurofibromatosis, type I. Identifiers: Orphanet 636, MedGen C0027831, MONDO:0018975, OMIM 162200. Disease mechanism: loss of function.

Submission:

Labcorp Genetics (formerly Invitae), Labcorp
Classification: Pathogenic for Neurofibromatosis, type 1. Last evaluated: 2025-04-23. Review status: criteria provided, single submitter. Criteria: Invitae Variant Classification Sherloc (09022015). Collection method: clinical testing. Allele origin: germline.
Comment: This sequence change creates a premature translational stop signal (p.Tyr1169Serfs*22) in the NF1 gene. It is expected to result in an absent or disrupted protein product. Loss-of-function variants in NF1 are known to be pathogenic (PMID: 10712197, 23913538). This variant is not present in population databases (gnomAD no frequency). This variant has not been reported in the literature in individuals affected with NF1-related conditions. For these reasons, this variant has been classified as Pathogenic.

Literature cited by the submitters: PubMed 10712197; PubMed 23913538.